The following is an entry in ClinVar:

NM_006206.6(PDGFRA):c.2992G>A (p.Asp998Asn)

Gene: PDGFRA (platelet derived growth factor receptor alpha; plus strand). Cytogenetic location: 4q12.
Variant type: single nucleotide variant.
Coding change: c.2992G>A on transcript NM_006206.6 (MANE Select); coding-DNA position 2992, G replaced by A.
Protein change: p.Asp998Asn; replaces aspartic acid 998 with asparagine.
Molecular consequence: missense variant.
Genome position (GRCh38, 1-based): chr4:54,290,424, G>A. VCF-style: chr4-54290424-G-A. GRCh37 (hg19) VCF-style: chr4-55156591-G-A.
Other names: c.3067G>A, p.Asp1023Asn (NM_001347828.2); c.2992G>A, p.Asp998Asn (NM_001347829.2); c.3031G>A, p.Asp1011Asn (NM_001347830.2); c.2992G>A (NM_006206.4); short protein forms D1023N, D998N, D1011N.
Identifiers: ClinVar variation 1486066 (VCV001486066.8), dbSNP rs1724569559, ClinGen allele CA356896142.

ClinVar aggregate classification (germline): Conflicting classifications of pathogenicity. Review status: criteria provided, conflicting classifications (1 of 4 stars). 3 submissions from 3 submitters: Uncertain significance (2); Likely benign (1). Last evaluated 2026-05-12.

Conditions:
Gastrointestinal stromal tumor. Also called: Gastrointestinal stroma tumor; Gastrointestinal stromal tumor, somatic. Identifiers: Orphanet 44890, MedGen C0238198, MeSH D046152, MONDO:0011719, OMIM 606764, HP:0100723.
Hereditary cancer-predisposing syndrome. Also called: Hereditary neoplastic syndrome; Tumor predisposition; Hereditary Cancer Syndrome; Neoplastic Syndromes, Hereditary. Identifiers: Orphanet 140162, MedGen C0027672, MeSH D009386, MONDO:0015356.
Polyps, multiple and recurrent inflammatory fibroid, gastrointestinal. Identifiers: MedGen C5193005, MONDO:0008285, OMIM 175510.

Submissions (3):

Ambry Genetics
Classification: Likely benign for Hereditary cancer-predisposing syndrome. Last evaluated: 2026-05-12. Review status: criteria provided, single submitter. Criteria: Ambry Variant Classification Scheme 2023. Collection method: clinical testing. Allele origin: germline.

Labcorp Genetics (formerly Invitae), Labcorp
Classification: Uncertain significance for Gastrointestinal stromal tumor. Last evaluated: 2026-01-12. Review status: criteria provided, single submitter. Criteria: Invitae Variant Classification Sherloc (09022015). Collection method: clinical testing. Allele origin: germline.
Comment: This sequence change replaces aspartic acid, which is acidic and polar, with asparagine, which is neutral and polar, at codon 998 of the PDGFRA protein (p.Asp998Asn). This variant is not present in population databases (gnomAD no frequency). This variant has not been reported in the literature in individuals affected with PDGFRA-related conditions. ClinVar contains an entry for this variant (Variation ID: 1486066). An algorithm developed to predict the effect of missense changes on protein structure and function (PolyPhen-2) suggests that this variant is likely to be tolerated. In summary, the available evidence is currently insufficient to determine the role of this variant in disease. Therefore, it has been classified as a Variant of Uncertain Significance.

Baylor Genetics
Classification: Uncertain significance for Polyps, multiple and recurrent inflammatory fibroid, gastrointestinal. Last evaluated: 2023-05-14. Review status: criteria provided, single submitter. Criteria: ACMG Guidelines, 2015. Collection method: clinical testing. Allele origin: unknown.